The following is an entry in ClinVar:

ClinVar aggregate classification (germline): Uncertain significance. Review status: criteria provided, multiple submitters, no conflicts (2 of 4 stars). 3 submissions from 3 submitters: Uncertain significance (3). Last evaluated 2023-05-12.

Conditions:
Hypertrophic cardiomyopathy. Also called: HYPERTROPHIC MYOCARDIOPATHY. Identifiers: Orphanet 217569, MedGen C0007194, MeSH D002312, MONDO:0005045, HP:0001639.
Cardiovascular phenotype. Identifiers: MedGen CN230736.

Allele frequency attached by ClinVar (database versions not stated): TOPMed below 0.00001; gnomAD 0.00001.
gnomAD v4.1: 1 of 1,599,938 alleles (0.000063%); highest among the groups gnomAD compares: Non-Finnish European, 0.000085%; no homozygotes.

Submissions (3):

Labcorp Genetics (formerly Invitae), Labcorp
Classification: Uncertain significance for Hypertrophic cardiomyopathy. Last evaluated: 2023-05-12. Review status: criteria provided, single submitter. Criteria: Invitae Variant Classification Sherloc (09022015). Collection method: clinical testing. Allele origin: germline.
Comment: An algorithm developed to predict the effect of missense changes on protein structure and function (PolyPhen-2) suggests that this variant is likely to be disruptive. This sequence change replaces phenylalanine, which is neutral and non-polar, with serine, which is neutral and polar, at codon 8 of the JPH2 protein (p.Phe8Ser). This variant is not present in population databases (gnomAD no frequency). This variant has not been reported in the literature in individuals affected with JPH2-related conditions. ClinVar contains an entry for this variant (Variation ID: 1312620). In summary, the available evidence is currently insufficient to determine the role of this variant in disease. Therefore, it has been classified as a Variant of Uncertain Significance.

Ambry Genetics
Classification: Uncertain significance for Cardiovascular phenotype. Last evaluated: 2023-01-20. Review status: criteria provided, single submitter. Criteria: Ambry Variant Classification Scheme 2023. Collection method: clinical testing. Allele origin: germline.
Comment: The p.F8S variant (also known as c.23T>C), located in coding exon 1 of the JPH2 gene, results from a T to C substitution at nucleotide position 23. The phenylalanine at codon 8 is replaced by serine, an amino acid with highly dissimilar properties. This amino acid position is conserved. In addition, this alteration is predicted to be deleterious by in silico analysis. Since supporting evidence is limited at this time, the clinical significance of this alteration remains unclear.

GeneDx
Classification: Uncertain significance. Last evaluated: 2020-01-17. Review status: criteria provided, single submitter. Criteria: GeneDx Variant Classification Process June 2021. Collection method: clinical testing. Allele origin: germline. Affected: yes.
Comment: Has not been previously published as pathogenic or benign to our knowledge; Not observed in large population cohorts (Lek et al., 2016); In silico analysis, which includes protein predictors and evolutionary conservation, supports a deleterious effect

NM_020433.5(JPH2):c.23T>C (p.Phe8Ser)

Gene: JPH2 (junctophilin 2; minus strand). Cytogenetic location: 20q13.12.
Variant type: single nucleotide variant.
Coding change: c.23T>C on transcript NM_020433.5 (MANE Select); coding-DNA position 23, T replaced by C.
Protein change: p.Phe8Ser; replaces phenylalanine 8 with serine.
Molecular consequence: missense variant.
Genome position (GRCh38, 1-based): chr20:44,186,683, A>G on the plus strand (T>C on the coding strand, the complement: JPH2 is on the minus strand). VCF-style: chr20-44186683-A-G. GRCh37 (hg19) VCF-style: chr20-42815323-A-G.
Other names: c.23T>C, p.Phe8Ser (NM_175913.4); short protein forms F8S.
Identifiers: ClinVar variation 1312620 (VCV001312620.7), dbSNP rs2072848592, ClinGen allele CA409095704.
Genomic context (GRCh38, chr20:44,186,683, plus strand): 5'-AGTCCATGCCCATGGGCCTTTCCCCCCTCCCAGCCCCCGCAGTACGCCCCTCCATCATCA[A>G]AGTCGAAGCGGCCCCCACTCATCTCATCATAGCCCCTGACAACCTCCCCGTCCTCCAGCG-3'
Protein context (NP_065166.2, residues 1-18): MSGGRFD[Phe8Ser]DDGGAYCGGW